The following is an entry in ClinVar:

ClinVar aggregate classification (germline): Uncertain significance (1 of 4 stars; one submission).

Conditions:
Infantile-onset X-linked spinal muscular atrophy. Also called: AMC, DISTAL, X-LINKED; ARTHROGRYPOSIS, X-LINKED, TYPE I; SPINAL MUSCULAR ATROPHY, X-LINKED LETHAL INFANTILE; Spinal Muscular Atrophy, X-Linked Infantile; Spinal muscular atrophy, X-linked 2. Identifiers: Orphanet 1145, MedGen C1844934, MONDO:0010532, OMIM 301830.

Submission:

Labcorp Genetics (formerly Invitae), Labcorp
Classification: Uncertain significance for Infantile-onset X-linked spinal muscular atrophy. Last evaluated: 2024-08-28. Review status: criteria provided, single submitter. Criteria: Invitae Variant Classification Sherloc (09022015). Collection method: clinical testing. Allele origin: germline.
Comment: This sequence change replaces alanine, which is neutral and non-polar, with isoleucine, which is neutral and non-polar, at codon 819 of the UBA1 protein (p.Ala819Ile). This variant is present in population databases (no rsID available, gnomAD 0.002%). This variant has not been reported in the literature in individuals affected with UBA1-related conditions. An algorithm developed to predict the effect of missense changes on protein structure and function (PolyPhen-2) suggests that this variant is likely to be tolerated. In summary, the available evidence is currently insufficient to determine the role of this variant in disease. Therefore, it has been classified as a Variant of Uncertain Significance.

NM_003334.4(UBA1):c.2455_2456delinsAT (p.Ala819Ile)

Gene: UBA1 (ubiquitin like modifier activating enzyme 1; plus strand). Cytogenetic location: Xp11.3.
Variant type: Indel.
Coding change: c.2455_2456delinsAT on transcript NM_003334.4 (MANE Select); coding-DNA positions 2455 to 2456, GC replaced by AT.
Protein change: p.Ala819Ile; replaces alanine 819 with isoleucine.
Molecular consequence: missense variant.
Genome position (GRCh38, 1-based): chrX:47,211,216-47,211,217, GC replaced by AT. VCF-style: chrX-47211216-GC-AT. GRCh37 (hg19) VCF-style: chrX-47070615-GC-AT.
Other names: c.2455_2456delinsAT, p.Ala819Ile (NM_153280.3); short protein forms A819I.
Identifiers: ClinVar variation 3016207 (VCV003016207.3), dbSNP rs2521623815, ClinGen allele CA2740092122.